The following is an entry in ClinVar:

ClinVar aggregate classification (germline): Conflicting classifications of pathogenicity. Review status: criteria provided, conflicting classifications (1 of 4 stars). 7 submissions from 7 submitters: Uncertain significance (1); Benign (1); Likely benign (4). 1 of the submissions does not count toward it. Last evaluated 2026-02-04.

Conditions:
LRP2-related disorder. Also called: LRP2-related condition.
Donnai-Barrow syndrome. Also called: DBS/FOAR SYNDROME; FACIOOCULOACOUSTICORENAL SYNDROME. Identifiers: Orphanet 2143, MedGen C1857277, MONDO:0009104, OMIM 222448.

Allele frequency attached by ClinVar (database versions not stated): 1000 Genomes Project 0.00180; 1000 Genomes Project 30x 0.00219; ESP Exome Variant Server 0.00500; gnomAD 0.00557; TOPMed 0.00591.
gnomAD v4.1: 10,715 of 1,614,188 alleles (0.66%); highest among the groups gnomAD compares: Non-Finnish European, 0.82%; 50 homozygotes.

Submissions (7):

Labcorp Genetics (formerly Invitae), Labcorp
Classification: Benign. Last evaluated: 2026-02-04. Review status: criteria provided, single submitter. Criteria: Invitae Variant Classification Sherloc (09022015). Collection method: clinical testing. Allele origin: germline.

CeGaT Center for Human Genetics Tuebingen
Classification: Likely benign. Last evaluated: 2025-07-01. Review status: criteria provided, single submitter. Criteria: CeGaT Center For Human Genetics Tuebingen Variant Classification Criteria Version 2. Collection method: clinical testing. Allele origin: germline. Affected: yes. Observed: 26 variant alleles.
Comment: LRP2: BP4, BP7, BS2

Blueprint Genetics
Classification: Likely benign. Last evaluated: 2024-11-26. Review status: criteria provided, single submitter. Criteria: ACMG Guidelines, 2015. Collection method: clinical testing. Allele origin: germline.

Genome-Nilou Lab
Classification: Likely benign for Donnai-Barrow syndrome. Last evaluated: 2021-07-15. Review status: criteria provided, single submitter. Criteria: ACMG Guidelines, 2015. Collection method: clinical testing. Allele origin: germline. Affected: no.

Illumina Laboratory Services, Illumina
Classification: Likely benign for Donnai-Barrow syndrome. Last evaluated: 2018-01-12. Review status: criteria provided, single submitter. Criteria: ICSL Variant Classification Criteria 13 December 2019. Collection method: clinical testing. Allele origin: germline.
Comment: This variant was observed in the ICSL laboratory as part of a predisposition screen in an ostensibly healthy population. It had not been previously curated by ICSL or reported in the Human Gene Mutation Database (HGMD: prior to June 1st, 2018), and was therefore a candidate for classification through an automated scoring system. Utilizing variant allele frequency, disease prevalence and penetrance estimates, and inheritance mode, an automated score was calculated to assess if this variant is too frequent to cause the disease. Based on the score and internal cut-off values, a variant classified as likely benign is not then subjected to further curation. The score for this variant resulted in a classification of likely benign for this disease.

Genetic Services Laboratory, University of Chicago
Classification: Uncertain significance. Last evaluated: 2014-09-26. Review status: criteria provided, single submitter. Criteria: ACMG Guidelines, 2015. Collection method: clinical testing. Allele origin: germline.

PreventionGenetics, part of Exact Sciences
Classification: Benign for LRP2-related condition. Last evaluated: 2019-05-22. Review status: no assertion criteria provided. Collection method: clinical testing. Allele origin: germline. Not counted in ClinVar's aggregate classification.
Comment: This variant is classified as benign based on ACMG/AMP sequence variant interpretation guidelines (Richards et al. 2015 PMID: 25741868, with internal and published modifications).

NM_004525.3(LRP2):c.8892G>A (p.Arg2964=)

Gene: LRP2 (LDL receptor related protein 2; minus strand). Cytogenetic location: 2q31.1.
Variant type: single nucleotide variant.
Coding change: c.8892G>A on transcript NM_004525.3 (MANE Select); coding-DNA position 8892, G replaced by A.
Protein change: p.Arg2964=; no amino-acid change (arginine 2964 retained).
Molecular consequence: synonymous variant.
Genome position (GRCh38, 1-based): chr2:169,191,972, C>T on the plus strand (G>A on the coding strand, the complement: LRP2 is on the minus strand). VCF-style: chr2-169191972-C-T. GRCh37 (hg19) VCF-style: chr2-170048482-C-T.
Identifiers: ClinVar variation 211403 (VCV000211403.49), dbSNP rs149148763, ClinGen allele CA207523.